The following is an entry in ClinVar:

NM_144687.4(NLRP12):c.3088C>G (p.Arg1030Gly)

Gene: NLRP12 (NLR family pyrin domain containing 12; minus strand). Cytogenetic location: 19q13.42.
Variant type: single nucleotide variant.
Coding change: c.3088C>G on transcript NM_144687.4 (MANE Select); coding-DNA position 3088, C replaced by G.
Protein change: p.Arg1030Gly; replaces arginine 1030 with glycine.
Molecular consequence: missense variant.
Genome position (GRCh38, 1-based): chr19:53,795,869, G>C on the plus strand (C>G on the coding strand, the complement: NLRP12 is on the minus strand). VCF-style: chr19-53795869-G-C. GRCh37 (hg19) VCF-style: chr19-54299123-G-C.
Other names: c.3088C>G (NM_144687.2); c.3091C>G, p.Arg1031Gly (NM_001277126.2); c.2917C>G, p.Arg973Gly (NM_001277129.1); short protein forms R1030G, R1031G, R973G.
Identifiers: ClinVar variation 330000 (VCV000330000.58), dbSNP rs201619538, ClinGen allele CA9638781.
Genomic context (GRCh38, chr19:53,795,869, plus strand): 5'-CCAGCCCAATGTCCAGCCTCCTCCAGAAAGAACTGGTCATCATCCCTCACCAGAGGACTC[G>C]GAGTTTGCAGCCAGGATGGCTCAGCCGCTTGCAAAGCAGTCGGACACCTGTGTCCCCTAG-3'
Protein context (NP_653288.1, residues 1020-1040): KRLSHPGCKL[Arg1030Gly]VLWLFGMDLN

ClinVar aggregate classification (germline): Conflicting classifications of pathogenicity. Review status: criteria provided, conflicting classifications (1 of 4 stars). 8 submissions from 8 submitters: Uncertain significance (2); Benign (3); Likely benign (2). 1 of the submissions does not count toward it. Last evaluated 2026-01-26.

Conditions:
NLRP12-related disorder. Also called: NLRP12-related condition; NLRP12-related conditions.
Familial cold autoinflammatory syndrome 2 (FCAS2). Identifiers: Orphanet 247868, MedGen C2673198, MONDO:0012724, OMIM 611762.
Autoinflammatory syndrome. Identifiers: Orphanet 93665, MedGen C3890737, MONDO:0019751.

Allele frequency attached by ClinVar (database versions not stated): TOPMed 0.00010; 1000 Genomes Project 30x 0.00062; 1000 Genomes Project 0.00080.
gnomAD v4.1: 752 of 1,614,028 alleles (0.047%); highest among the groups gnomAD compares: South Asian, 0.61%; 8 homozygotes.

Submissions (8):

Labcorp Genetics (formerly Invitae), Labcorp
Classification: Benign for Familial cold autoinflammatory syndrome 2. Last evaluated: 2026-01-26. Review status: criteria provided, single submitter. Criteria: Invitae Variant Classification Sherloc (09022015). Collection method: clinical testing. Allele origin: germline.

Blueprint Genetics
Classification: Likely benign. Last evaluated: 2024-11-19. Review status: criteria provided, single submitter. Criteria: ACMG Guidelines, 2015. Collection method: clinical testing. Allele origin: germline.

CeGaT Center for Human Genetics Tuebingen
Classification: Benign. Last evaluated: 2023-06-01. Review status: criteria provided, single submitter. Criteria: CeGaT Center For Human Genetics Tuebingen Variant Classification Criteria Version 2. Collection method: clinical testing. Allele origin: germline. Affected: yes. Observed: 3 variant alleles.
Comment: NLRP12: BP4, BS1, BS2

Genome Diagnostics Laboratory, The Hospital for Sick Children
Classification: Likely benign for Autoinflammatory syndrome. Last evaluated: 2021-04-16. Review status: criteria provided, single submitter. Criteria: ACMG Guidelines, 2015. Collection method: clinical testing. Allele origin: germline. Affected: yes.

ARUP Laboratories, Molecular Genetics and Genomics, ARUP Laboratories
Classification: Uncertain significance for Familial cold autoinflammatory syndrome 2. Last evaluated: 2019-10-21. Review status: criteria provided, single submitter. Criteria: ARUP Molecular Germline Variant Investigation Process. Collection method: clinical testing. Allele origin: germline.
Comment: The NLRP12 c.3088C>G; p.Arg1030Gly variant (rs201619538) to our knowledge, is not reported in the medical literature or gene specific databases. The variant is reported in the ClinVar database (Variation ID: 330000) and in the South Asian population with an allele frequency of 0.6% (176/30604 alleles) in the Genome Aggregation Database. The arginine at codon 1030 is weakly conserved and computational analyses (SIFT: Damaging, PolyPhen-2: Benign) predict conflicting effects of this variant on protein structure/function. Due to limited information, the clinical significance of the p.Arg1030Gly variant is uncertain at this time.

GeneDx
Classification: Uncertain significance. Last evaluated: 2019-04-02. Review status: criteria provided, single submitter. Criteria: GeneDx Variant Classification Process June 2021. Collection method: clinical testing. Allele origin: germline. Affected: yes.
Comment: In silico analysis, which includes protein predictors and evolutionary conservation, supports a deleterious effect; Has not been previously published as pathogenic or benign to our knowledge

Illumina Laboratory Services, Illumina
Classification: Benign for Familial cold autoinflammatory syndrome 2. Last evaluated: 2018-01-12. Review status: criteria provided, single submitter. Criteria: ICSL Variant Classification Criteria 13 December 2019. Collection method: clinical testing. Allele origin: germline.
Comment: This variant was observed in the ICSL laboratory as part of a predisposition screen in an ostensibly healthy population. It had not been previously curated by ICSL or reported in the Human Gene Mutation Database (HGMD: prior to June 1st, 2018), and was therefore a candidate for classification through an automated scoring system. Utilizing variant allele frequency, disease prevalence and penetrance estimates, and inheritance mode, an automated score was calculated to assess if this variant is too frequent to cause the disease. Based on the score and internal cut-off values, a variant classified as benign is not then subjected to further curation. The score for this variant resulted in a classification of benign for this disease.

PreventionGenetics, part of Exact Sciences
Classification: Likely benign for NLRP12-related condition. Last evaluated: 2024-01-20. Review status: no assertion criteria provided. Collection method: clinical testing. Allele origin: germline. Not counted in ClinVar's aggregate classification.
Comment: This variant is classified as likely benign based on ACMG/AMP sequence variant interpretation guidelines (Richards et al. 2015 PMID: 25741868, with internal and published modifications).